The following is an entry in ClinVar:

ClinVar aggregate classification (germline): Uncertain significance. Review status: criteria provided, multiple submitters, no conflicts (2 of 4 stars). 3 submissions from 3 submitters: Uncertain significance (3). Last evaluated 2024-10-22.

Conditions:
Tyrosinase-positive oculocutaneous albinism (OCA2). Also called: ALBINISM II; Oculocutaneous albinism type 2; Albinism, oculocutaneous, type II. Identifiers: Orphanet 79432, MedGen C0268495, MONDO:0008746, OMIM 203200.
SKIN/HAIR/EYE PIGMENTATION 1, BLUE/NONBLUE EYES (SHEP1). Also called: BROWN EYE COLOR 2; EYE COLOR 3; EYE COLOR, BLUE/NONBLUE; EYE COLOR, BROWN/BLUE; HAIR COLOR 3; SKIN/HAIR/EYE PIGMENTATION 1, BLOND/BROWN HAIR. Identifiers: MedGen C1856895, OMIM 227220.

Allele frequency attached by ClinVar (database versions not stated): TOPMed 0.00006; 1000 Genomes Project 30x 0.00016; 1000 Genomes Project 0.00020.
gnomAD v4.1: 28 of 1,614,102 alleles (0.0017%); highest among the groups gnomAD compares: East Asian, 0.056%; no homozygotes.

Submissions (3):

Labcorp Genetics (formerly Invitae), Labcorp
Classification: Uncertain significance. Last evaluated: 2024-10-22. Review status: criteria provided, single submitter. Criteria: Invitae Variant Classification Sherloc (09022015). Collection method: clinical testing. Allele origin: germline.
Comment: This sequence change replaces serine, which is neutral and polar, with arginine, which is basic and polar, at codon 283 of the OCA2 protein (p.Ser283Arg). This variant is present in population databases (rs143320446, gnomAD 0.04%). This missense change has been observed in individual(s) with oculocutaneous albinism (PMID: 31077556). ClinVar contains an entry for this variant (Variation ID: 1006003). Invitae Evidence Modeling of protein sequence and biophysical properties (such as structural, functional, and spatial information, amino acid conservation, physicochemical variation, residue mobility, and thermodynamic stability) indicates that this missense variant is not expected to disrupt OCA2 protein function with a negative predictive value of 80%. In summary, the available evidence is currently insufficient to determine the role of this variant in disease. Therefore, it has been classified as a Variant of Uncertain Significance.

3billion
Classification: Uncertain significance for Tyrosinase-positive oculocutaneous albinism. Last evaluated: 2022-09-01. Review status: criteria provided, single submitter. Criteria: ACMG Guidelines, 2015. Collection method: clinical testing. Allele origin: germline. Affected: yes. Observed: 1 heterozygote.
Comment: The variant is observed at an extremely low frequency in the gnomAD v2.1.1 dataset (total allele frequency: 0.002%). In silico tool predictions suggest no damaging effect of the variant on gene or gene product (REVEL: 0.26; 3Cnet: 0.01). Same nucleotide change resulting in same amino acid change has been previously reported to be associated with OCA2-related disorder (PMID: 31077556). However, the evidence of pathogenicity is insufficient at this time. Therefore, this variant is classified as uncertain significance according to the recommendation of ACMG/AMP guideline.

Fulgent Genetics
Classification: Uncertain significance for Tyrosinase-positive oculocutaneous albinism; SKIN/HAIR/EYE PIGMENTATION 1, BLUE/NONBLUE EYES. Last evaluated: 2021-10-12. Review status: criteria provided, single submitter. Criteria: ACMG Guidelines, 2015. Collection method: clinical testing. Allele origin: unknown.

Literature cited by the submitters: PubMed 31077556 (cited by Labcorp Genetics (formerly Invitae), Labcorp and 3billion).

NM_000275.3(OCA2):c.849C>A (p.Ser283Arg)

Gene: OCA2 (OCA2 melanosomal transmembrane protein; minus strand). Cytogenetic location: 15q13.1.
Variant type: single nucleotide variant.
Coding change: c.849C>A on transcript NM_000275.3 (MANE Select); coding-DNA position 849, C replaced by A.
Protein change: p.Ser283Arg; replaces serine 283 with arginine.
Molecular consequence: missense variant.
Genome position (GRCh38, 1-based): chr15:28,016,145, G>T on the plus strand (C>A on the coding strand, the complement: OCA2 is on the minus strand). VCF-style: chr15-28016145-G-T. GRCh37 (hg19) VCF-style: chr15-28261291-G-T.
Other names: c.849C>A, p.Ser283Arg (NM_001300984.2); short protein forms S283R.
Identifiers: ClinVar variation 1006003 (VCV001006003.12), dbSNP rs143320446, ClinGen allele CA7439325.